The following is an entry in ClinVar:

ClinVar aggregate classification (germline): Uncertain significance (1 of 4 stars; one submission).

Conditions:
Muscular dystrophy-dystroglycanopathy (congenital with brain and eye anomalies), type A13. Also called: WALKER-WARBURG SYNDROME OR MUSCLE-EYE-BRAIN DISEASE, B3GNT1-RELATED; Muscular dystrophy-dystroglycanopathy (congenital with brain and eye anomalies), type a, 13. Identifiers: Orphanet 899, MedGen C3809042, MONDO:0014120, OMIM 615287.

Submission:

Labcorp Genetics (formerly Invitae), Labcorp
Classification: Uncertain significance for Muscular dystrophy-dystroglycanopathy (congenital with brain and eye anomalies), type A13. Last evaluated: 2022-01-02. Review status: criteria provided, single submitter. Criteria: Invitae Variant Classification Sherloc (09022015). Collection method: clinical testing. Allele origin: germline.
Comment: This variant is not present in population databases (gnomAD no frequency). This sequence change replaces alanine, which is neutral and non-polar, with proline, which is neutral and non-polar, at codon 216 of the B4GAT1 protein (p.Ala216Pro). This variant has not been reported in the literature in individuals affected with B4GAT1-related conditions. In summary, the available evidence is currently insufficient to determine the role of this variant in disease. Therefore, it has been classified as a Variant of Uncertain Significance. Algorithms developed to predict the effect of missense changes on protein structure and function (SIFT, PolyPhen-2, Align-GVGD) all suggest that this variant is likely to be disruptive.

NM_006876.3(B4GAT1):c.646G>C (p.Ala216Pro)

Gene: B4GAT1 (beta-1,4-glucuronyltransferase 1; minus strand). Cytogenetic location: 11q13.2.
Variant type: single nucleotide variant.
Coding change: c.646G>C on transcript NM_006876.3 (MANE Select); coding-DNA position 646, G replaced by C.
Protein change: p.Ala216Pro; replaces alanine 216 with proline.
Molecular consequence: missense variant.
Genome position (GRCh38, 1-based): chr11:66,346,900, C>G on the plus strand (G>C on the coding strand, the complement: B4GAT1 is on the minus strand). VCF-style: chr11-66346900-C-G. GRCh37 (hg19) VCF-style: chr11-66114371-C-G.
Other names: short protein forms A216P.
Identifiers: ClinVar variation 2071186 (VCV002071186.4), dbSNP rs2495386012, ClinGen allele CA381417956.